The following is an entry in ClinVar:

NM_080680.3(COL11A2):c.4126C>G (p.Gln1376Glu)

Gene: COL11A2 (collagen type XI alpha 2 chain; minus strand). Cytogenetic location: 6p21.32.
Variant type: single nucleotide variant.
Coding change: c.4126C>G on transcript NM_080680.3 (MANE Select); coding-DNA position 4126, C replaced by G.
Protein change: p.Gln1376Glu; replaces glutamine 1376 with glutamic acid.
Molecular consequence: missense variant.
Genome position (GRCh38, 1-based): chr6:33,167,314, G>C on the plus strand (C>G on the coding strand, the complement: COL11A2 is on the minus strand). VCF-style: chr6-33167314-G-C. GRCh37 (hg19) VCF-style: chr6-33135091-G-C.
Other names: c.3805C>G, p.Gln1269Glu (NM_080679.3); c.3868C>G, p.Gln1290Glu (NM_080681.3); short protein forms Q1269E, Q1290E, Q1376E.
Identifiers: ClinVar variation 1196565 (VCV001196565.16), dbSNP rs150784358, ClinGen allele CA3750212.
Genomic context (GRCh38, chr6:33,167,314, plus strand): 5'-AGTCACTCACCACAGGACCTGGGGGCCCAGCCTGGCCTGTAGCTCCAGGTCGGCCTTGCT[G>C]ACCCTGAAGATTTGAGGGGGCCACAGGGGTCAGGAGGAGCATCCCCACACTGCACCCCTC-3'
Protein context (NP_542411.2, residues 1366-1386): GLRGLPGSVG[Gln1376Glu]QGRPGATGQA

ClinVar aggregate classification (germline): Conflicting classifications of pathogenicity. Review status: criteria provided, conflicting classifications (1 of 4 stars). 3 submissions from 3 submitters: Uncertain significance (2); Benign (1). Last evaluated 2025-10-28.

Conditions:
Inborn genetic diseases. Identifiers: MedGen C0950123, MeSH D030342.

Allele frequency attached by ClinVar (database versions not stated): gnomAD exomes 0.00001 and 0.00004; ExAC 0.00004; gnomAD 0.00011 and 0.00012; TOPMed 0.00015; ESP Exome Variant Server 0.00036.
gnomAD v4.1: 38 of 1,613,506 alleles (0.0024%); highest among the groups gnomAD compares: African/African-American, 0.044%; no homozygotes.

Submissions (3):

GeneDx
Classification: Uncertain significance. Last evaluated: 2025-10-28. Review status: criteria provided, single submitter. Criteria: GeneDx Variant Classification Process June 2021. Collection method: clinical testing. Allele origin: germline. Affected: yes.
Comment: Has not been previously published as pathogenic or benign to our knowledge; In silico analysis suggests that this missense variant does not alter protein structure/function

Ambry Genetics
Classification: Uncertain significance for Inborn genetic diseases. Last evaluated: 2025-09-11. Review status: criteria provided, single submitter. Criteria: Ambry Variant Classification Scheme 2023. Collection method: clinical testing. Allele origin: germline.

Labcorp Genetics (formerly Invitae), Labcorp
Classification: Benign. Last evaluated: 2025-08-04. Review status: criteria provided, single submitter. Criteria: Invitae Variant Classification Sherloc (09022015). Collection method: clinical testing. Allele origin: germline.